The following is an entry in ClinVar:

NC_000009.12:g.(?_99105186)_(99221914_?)del

Genes: ALG2 (ALG2 alpha-1,3/1,6-mannosyltransferase; minus strand), TGFBR1 (transforming growth factor beta receptor 1; plus strand), LOC130002228 (ATAC-STARR-seq lymphoblastoid silent region 20126; plus strand), LOC132089611 (Neanderthal introgressed variant-containing enhancer experimental_103896; plus strand), LOC132089612 (Neanderthal introgressed variant-containing enhancer experimental_103898; plus strand) and 7 more. Cytogenetic location: 9q22.33.
Variant type: Deletion.
Identifiers: ClinVar variation 583800 (VCV000583800.8).

ClinVar aggregate classification (germline): Pathogenic (1 of 4 stars; one submission).

Conditions:
Familial thoracic aortic aneurysm and aortic dissection (TAAD). Also called: Thoracic aortic aneurysms and dissections. Identifiers: Orphanet 91387, MedGen C4707243, MONDO:0019625.

Submission:

Labcorp Genetics (formerly Invitae), Labcorp
Classification: Pathogenic for Familial thoracic aortic aneurysm and aortic dissection. Last evaluated: 2021-08-04. Review status: criteria provided, single submitter. Criteria: Invitae Variant Classification Sherloc (09022015). Collection method: clinical testing. Allele origin: germline.
Comment: A gross deletion of the genomic region encompassing the full coding sequence of the TGFBR1 gene has been identified. Loss-of-function variants in TGFBR1 are known to be pathogenic (PMID: 21358634). The boundaries of this event are unknown as they extend beyond the assayed region for this gene and therefore may encompass additional genes. This variant has not been reported in the literature in individuals affected with TGFBR1-related conditions. For these reasons, this variant has been classified as Pathogenic.

Literature cited by the submitters: PubMed 21358634.